The following is an entry in ClinVar:

NM_004360.5(CDH1):c.313T>A (p.Ser105Thr)

Gene: CDH1 (cadherin 1; plus strand). Cytogenetic location: 16q22.1.
Variant type: single nucleotide variant.
Coding change: c.313T>A on transcript NM_004360.5 (MANE Select); coding-DNA position 313, T replaced by A.
Protein change: p.Ser105Thr; replaces serine 105 with threonine.
Molecular consequence: missense variant. On other transcripts: 5 prime UTR variant (2).
Genome position (GRCh38, 1-based): chr16:68,801,819, T>A. VCF-style: chr16-68801819-T-A. GRCh37 (hg19) VCF-style: chr16-68835722-T-A.
Other names: c.313T>A (LRG_301t1); c.313T>A, p.Ser105Thr (NM_001317184.2); c.-1303T>A (NM_001317185.2); c.-1507T>A (NM_001317186.2); short protein forms S105T.
Identifiers: ClinVar variation 532466 (VCV000532466.17), dbSNP rs1165815510, ClinGen allele CA396457365.

ClinVar aggregate classification (germline): Conflicting classifications of pathogenicity. Review status: criteria provided, conflicting classifications (1 of 4 stars). 7 submissions from 7 submitters: Uncertain significance (6); Likely benign (1). Last evaluated 2026-01-20.

Conditions:
Hereditary diffuse gastric adenocarcinoma (HDGC). Also called: DIFFUSE GASTRIC AND LOBULAR BREAST CANCER SYNDROME. Identifiers: Orphanet 26106, MedGen C1708349, MONDO:0007648, OMIM 137215.
Familial cancer of breast. Also called: BREAST CANCER, FAMILIAL; hereditary breast carcinoma; Hereditary breast cancer. Identifiers: Orphanet 227535, MedGen C0346153, MONDO:0016419, OMIM 114480. Disease mechanism: loss of function.
Hereditary cancer-predisposing syndrome. Also called: Neoplastic Syndromes, Hereditary; Hereditary Cancer Syndrome; Tumor predisposition; Hereditary neoplastic syndrome. Identifiers: Orphanet 140162, MedGen C0027672, MeSH D009386, MONDO:0015356.

Allele frequency attached by ClinVar (database versions not stated): gnomAD exomes below 0.00001; TOPMed 0.00001.
gnomAD v4.1: 1 of 1,614,192 alleles (0.000062%); highest among the groups gnomAD compares: Non-Finnish European, 0.000085%; no homozygotes.

Submissions (7):

Dasa
Classification: Uncertain significance. Last evaluated: 2026-01-20. Review status: criteria provided, single submitter. Criteria: DASA Assertion Criteria. Collection method: clinical testing. Allele origin: germline.
Comment: NM_004360.5(CDH1):c.313T>A (p.Ser105Thr) is a missense variant that results in the substitution of serine with threonine. This variant is rare in population databases. The currently available literature and clinical evidence are not sufficient to establish a definitive association between this variant and the reported condition. Therefore, this variant is classified as a variant of uncertain significance.

Labcorp Genetics (formerly Invitae), Labcorp
Classification: Uncertain significance for Hereditary diffuse gastric adenocarcinoma. Last evaluated: 2025-12-10. Review status: criteria provided, single submitter. Criteria: Invitae Variant Classification Sherloc (09022015). Collection method: clinical testing. Allele origin: germline.
Comment: This sequence change replaces serine, which is neutral and polar, with threonine, which is neutral and polar, at codon 105 of the CDH1 protein (p.Ser105Thr). This variant is not present in population databases (gnomAD no frequency). This missense change has been observed in individual(s) with diffuse gastric cancer (PMID: 30895400). ClinVar contains an entry for this variant (Variation ID: 532466). An algorithm developed to predict the effect of missense changes on protein structure and function (PolyPhen-2) suggests that this variant is likely to be tolerated. In summary, the available evidence is currently insufficient to determine the role of this variant in disease. Therefore, it has been classified as a Variant of Uncertain Significance.

Ambry Genetics
Classification: Uncertain significance for Hereditary cancer-predisposing syndrome. Last evaluated: 2024-10-19. Review status: criteria provided, single submitter. Criteria: Ambry Variant Classification Scheme 2023. Collection method: clinical testing. Allele origin: germline.
Comment: The p.S105T variant (also known as c.313T>A), located in coding exon 3 of the CDH1 gene, results from a T to A substitution at nucleotide position 313. The serine at codon 105 is replaced by threonine, an amino acid with similar properties. This amino acid position is not well conserved in available vertebrate species. In addition, this alteration is predicted to be tolerated by in silico analysis. Based on the available evidence, the clinical significance of this variant remains unclear.

Mendelics
Classification: Likely benign for Hereditary cancer-predisposing syndrome. Last evaluated: 2024-04-08. Review status: criteria provided, single submitter. Criteria: ACMG Guidelines, 2015. Collection method: clinical testing. Allele origin: unknown.

Baylor Genetics
Classification: Uncertain significance for Familial cancer of breast. Last evaluated: 2023-05-25. Review status: criteria provided, single submitter. Criteria: ACMG Guidelines, 2015. Collection method: clinical testing. Allele origin: unknown.

Color Diagnostics, LLC DBA Color Health
Classification: Uncertain significance for Hereditary cancer-predisposing syndrome. Last evaluated: 2023-04-03. Review status: criteria provided, single submitter. Criteria: ACMG Guidelines, 2015. Collection method: clinical testing. Allele origin: germline.
Comment: This missense variant replaces serine with threonine at codon 105 of the CDH1 protein. To our knowledge, functional studies have not been reported for this variant. This variant has been reported in an individual affected with gastyric cancer in the literature (PMID: 30895400). This variant has not been identified in the general population by the Genome Aggregation Database (gnomAD). The available evidence is insufficient to determine the role of this variant in disease conclusively. Therefore, this variant is classified as a Variant of Uncertain Significance.

Laboratorio de Genetica e Diagnostico Molecular, Hospital Israelita Albert Einstein
Classification: Uncertain significance for Hereditary diffuse gastric adenocarcinoma. Last evaluated: 2023-02-03. Review status: criteria provided, single submitter. Criteria: ACMG Guidelines, 2015. Collection method: clinical testing. Allele origin: germline. Affected: yes. Observed: 1 variant allele.
Comment: ACMG classification criteria: PM2 supporting

Literature cited by the submitters: PubMed 30895400 (cited by 3 submitters).